The following is an entry in ClinVar:

ClinVar aggregate classification (germline): Uncertain significance (1 of 4 stars; one submission).

Conditions:
Catecholaminergic polymorphic ventricular tachycardia 1. Also called: VENTRICULAR TACHYCARDIA, CATECHOLAMINERGIC POLYMORPHIC, 1, WITH OR WITHOUT ATRIAL DYSFUNCTION AND/OR DILATED CARDIOMYOPATHY; RYR2-Related Catecholaminergic Polymorphic Ventricular Tachycardia; VENTRICULAR TACHYCARDIA, STRESS-INDUCED POLYMORPHIC 1. Identifiers: Orphanet 3286, MedGen C1631597, MONDO:0011484, OMIM 604772.

Submission:

Labcorp Genetics (formerly Invitae), Labcorp
Classification: Uncertain significance for Catecholaminergic polymorphic ventricular tachycardia 1. Last evaluated: 2024-09-03. Review status: criteria provided, single submitter. Criteria: Invitae Variant Classification Sherloc (09022015). Collection method: clinical testing. Allele origin: germline.
Comment: This sequence change replaces tyrosine, which is neutral and polar, with cysteine, which is neutral and slightly polar, at codon 3245 of the RYR2 protein (p.Tyr3245Cys). This variant is not present in population databases (gnomAD no frequency). This variant has not been reported in the literature in individuals affected with RYR2-related conditions. Invitae Evidence Modeling of protein sequence and biophysical properties (such as structural, functional, and spatial information, amino acid conservation, physicochemical variation, residue mobility, and thermodynamic stability) indicates that this missense variant is expected to disrupt RYR2 protein function with a positive predictive value of 95%. In summary, the available evidence is currently insufficient to determine the role of this variant in disease. Therefore, it has been classified as a Variant of Uncertain Significance.

NM_001035.3(RYR2):c.9734A>G (p.Tyr3245Cys)

Gene: RYR2 (ryanodine receptor 2; plus strand). Cytogenetic location: 1q43.
Variant type: single nucleotide variant.
Coding change: c.9734A>G on transcript NM_001035.3 (MANE Select); coding-DNA position 9734, A replaced by G.
Protein change: p.Tyr3245Cys; replaces tyrosine 3245 with cysteine.
Molecular consequence: missense variant.
Genome position (GRCh38, 1-based): chr1:237,707,102, A>G. VCF-style: chr1-237707102-A-G. GRCh37 (hg19) VCF-style: chr1-237870402-A-G.
Other names: short protein forms Y3245C.
Identifiers: ClinVar variation 3633821 (VCV003633821.2).